The following is an entry in ClinVar:

NM_002016.2(FLG):c.3673del (p.Gln1225fs)

Genes: CCDST (cervical cancer associated DHX9 suppressive transcript; plus strand), FLG (filaggrin; minus strand). Cytogenetic location: 1q21.3.
Variant type: Deletion.
Coding change: c.3673del on transcript NM_002016.2 (MANE Select); coding-DNA position 3673, one base deleted (C; older notation c.3673delC).
Protein change: p.Gln1225fs; shifts the reading frame from glutamine 1225.
Molecular consequence: frameshift variant.
Genome position (GRCh38, 1-based): chr1:152,311,213, G deleted on the plus strand (C on the coding strand, the reverse complement: FLG is on the minus strand). VCF-style (leftmost placement, unchanged base first): chr1-152311212-TG-T. GRCh37 (hg19) VCF-style: chr1-152283688-TG-T.
Other names: c.3673delC, p.Gln1225Asnfs (NM_002016.1); short protein forms Q1225fs.
Identifiers: ClinVar variation 4686108 (VCV004686108.3).

ClinVar aggregate classification (germline): Pathogenic/Likely pathogenic. Review status: criteria provided, multiple submitters, no conflicts (2 of 4 stars). 2 submissions from 2 submitters: Pathogenic (1); Likely pathogenic (1). Last evaluated 2026-06-17.

Conditions:
FLG-related disorder. Also called: FLG-related condition; FLG-related disorders.

Submissions (2):

GeneDx
Classification: Pathogenic. Last evaluated: 2026-06-17. Review status: criteria provided, single submitter. Criteria: GeneDx Variant Classification Process June 2021. Collection method: clinical testing. Allele origin: germline.
Comment: Frameshift variant predicted to result in abnormal protein length as the last 2837 amino acid(s) are replaced with 220 different amino acid(s), and other similar variants have been reported in HGMD; Not observed at significant frequency in large population cohorts (gnomAD); This variant is associated with the following publications: (PMID: 26830116, 25282568, 19681860, 18094728, 16444271)

Blueprint Genetics
Classification: Likely pathogenic for FLG-related disorders. Last evaluated: 2022-02-23. Review status: criteria provided, single submitter. Criteria: ACMG Guidelines, 2015. Collection method: clinical testing. Allele origin: germline. Affected: yes. Observed: 1 variant allele.